The following is an entry in ClinVar:

NM_001754.5(RUNX1):c.952T>G (p.Ser318Ala)

Gene: RUNX1 (RUNX family transcription factor 1; minus strand). Cytogenetic location: 21q22.12.
Variant type: single nucleotide variant.
Coding change: c.952T>G on transcript NM_001754.5 (MANE Select); coding-DNA position 952, T replaced by G.
Protein change: p.Ser318Ala; replaces serine 318 with alanine.
Molecular consequence: missense variant.
Genome position (GRCh38, 1-based): chr21:34,799,316, A>C on the plus strand (T>G on the coding strand, the complement: RUNX1 is on the minus strand). VCF-style: chr21-34799316-A-C. GRCh37 (hg19) VCF-style: chr21-36171613-A-C.
Other names: c.871T>G, p.Ser291Ala (NM_001001890.3); short protein forms S318A, S291A.
Identifiers: ClinVar variation 415833 (VCV000415833.19), dbSNP rs545554349, ClinGen allele CA10014261.

ClinVar aggregate classification (germline): Benign. Review status: reviewed by expert panel (3 of 4 stars). 7 submissions from 7 submitters: Benign (1). 6 of the submissions do not count toward it. Last evaluated 2021-01-11.

Conditions:
RUNX1-related disorder. Also called: RUNX1-related condition.
Hereditary thrombocytopenia and hematologic cancer predisposition syndrome. Identifiers: Orphanet 71290, MedGen CN281654, MONDO:0011071.
Inborn genetic diseases. Identifiers: MedGen C0950123, MeSH D030342.
Hereditary cancer-predisposing syndrome. Also called: Neoplastic Syndromes, Hereditary; Hereditary neoplastic syndrome; Hereditary Cancer Syndrome; Tumor predisposition. Identifiers: Orphanet 140162, MedGen C0027672, MeSH D009386, MONDO:0015356.
Hereditary thrombocytopenia and hematological cancer predisposition syndrome associated with RUNX1. Also called: Familial thrombocytopenia with propensity to acute myelogenous leukemia; RUNX1 Familial Platelet Disorder with Associated Myeloid Malignancies; Familial Platelet Disorder with Propensity to Acute Myelogenous Leukemia; PLATELET DISORDER, ASPIRIN-LIKE. Identifiers: Orphanet 71290, MedGen C1832388, MeSH C563324, MONDO:0100083, OMIM 601399.
Acute myeloid leukemia (AML). Also called: Leukemia, acute myeloid, somatic; Leukemia, acute myelogenous, somatic; Acute myeloid leukemia, adult; AML adult; Acute non-lymphocytic leukemia; Acute granulocytic leukemia. Identifiers: Orphanet 519, MedGen C0023467, MeSH D015470, MONDO:0018874, OMIM 601626, HP:0004808. Disease mechanism: Constitutively activated FLT3.

Allele frequency attached by ClinVar (database versions not stated): gnomAD 0.00012 and 0.00013; TOPMed 0.00036; ExAC 0.00077.
gnomAD v4.1: 269 of 1,614,076 alleles (0.017%); highest among the groups gnomAD compares: Admixed American, 0.43%; no homozygotes.

Submissions (7):

ClinGen Myeloid Malignancy Variant Curation Expert Panel
Classification: Benign for Hereditary thrombocytopenia and hematologic cancer predisposition syndrome. Last evaluated: 2021-01-11. Review status: reviewed by expert panel. Criteria: ClinGen MyeloMalig ACMG Specifications v1. Collection method: curation. Allele origin: germline. Inheritance: Autosomal dominant inheritance.
Comment: This missense variant is present in gnomAD (v2) at an allele frequency 0.6377% >0.15% with 226 out of 35438 alleles in Latino subpopulation (BA1). Additionally, this missense variant has a REVEL score <0.15 (0.093), and SSF and MES predict either an increase in the canonical splice site score or a decrease of the canonical splice site score by no more than 10% and no putative cryptic splice sites are created (BP4). In summary, the clinical significance of this variant is benign. ACMG/AMP criteria applied, as specified by the ClinGen Myeloid Malignancy Variant Curation Expert Panel for RUNX1: BA1 and BP4.

Labcorp Genetics (formerly Invitae), Labcorp
Classification: Benign for Hereditary thrombocytopenia and hematological cancer predisposition syndrome associated with RUNX1. Last evaluated: 2026-01-12. Review status: criteria provided, single submitter. Criteria: Invitae Variant Classification Sherloc (09022015). Collection method: clinical testing. Allele origin: germline. Not counted in ClinVar's aggregate classification.

Ambry Genetics
Classification: Benign for Inborn genetic diseases. Last evaluated: 2024-08-20. Review status: criteria provided, single submitter. Criteria: Ambry Variant Classification Scheme 2023. Collection method: clinical testing. Allele origin: germline. Not counted in ClinVar's aggregate classification.

Blueprint Genetics
Classification: Likely benign. Last evaluated: 2022-07-14. Review status: criteria provided, single submitter. Criteria: ACMG Guidelines, 2015. Collection method: clinical testing. Allele origin: germline. Not counted in ClinVar's aggregate classification.

Sema4
Classification: Likely benign for Hereditary cancer-predisposing syndrome. Last evaluated: 2022-01-13. Review status: criteria provided, single submitter. Criteria: Sema4 Curation Guidelines. Collection method: curation. Allele origin: germline. Not counted in ClinVar's aggregate classification.

Center for Genomics, Ann and Robert H. Lurie Children's Hospital of Chicago
Classification: Likely benign for Hereditary thrombocytopenia and hematological cancer predisposition syndrome associated with RUNX1; Acute myeloid leukemia. Review status: criteria provided, single submitter. Criteria: ACMG Guidelines, 2015. Collection method: clinical testing. Allele origin: germline. Not counted in ClinVar's aggregate classification.
Comment: However, both of these family members also carried additional pathogenic variants in G6PC3 that could explain their phenotypes (Mendler 2013 PMID: 23753029, Stray-Pedersen 2016 PMID:27577878). However, this variant is also present in 0.1% (17/15284) of Latino alleles in the Genome Aggregation Database. This variant is present in ClinVar (Variation ID:415833). Evolutionary conservation and computational predictive tools suggest that this variant may not impact the protein. In summary, data on this variant suggests that this variant does not cause disease, but requires further evidence. Therefore this variant is classified as likely benign

PreventionGenetics, part of Exact Sciences
Classification: Likely benign for RUNX1-related condition. Last evaluated: 2021-12-30. Review status: no assertion criteria provided. Collection method: clinical testing. Allele origin: germline. Not counted in ClinVar's aggregate classification.
Comment: This variant is classified as likely benign based on ACMG/AMP sequence variant interpretation guidelines (Richards et al. 2015 PMID: 25741868, with internal and published modifications).